The following is an entry in ClinVar:

ClinVar aggregate classification (germline): Uncertain significance. Review status: criteria provided, multiple submitters, no conflicts (2 of 4 stars). 3 submissions from 3 submitters: Uncertain significance (3). Last evaluated 2024-09-03.

Allele frequency attached by ClinVar (database versions not stated): gnomAD 0.00001; TOPMed 0.00001.
gnomAD v4.1: 11 of 1,614,134 alleles (0.00068%); highest among the groups gnomAD compares: Admixed American, 0.005%; no homozygotes.

Submissions (3):

Ambry Genetics
Classification: Uncertain significance. Last evaluated: 2024-09-03. Review status: criteria provided, single submitter. Criteria: Ambry Variant Classification Scheme 2023. Collection method: clinical testing. Allele origin: germline.

Labcorp Genetics (formerly Invitae), Labcorp
Classification: Uncertain significance. Last evaluated: 2022-06-27. Review status: criteria provided, single submitter. Criteria: Invitae Variant Classification Sherloc (09022015). Collection method: clinical testing. Allele origin: germline.
Comment: In summary, the available evidence is currently insufficient to determine the role of this variant in disease. Therefore, it has been classified as a Variant of Uncertain Significance. Algorithms developed to predict the effect of missense changes on protein structure and function (SIFT, PolyPhen-2, Align-GVGD) all suggest that this variant is likely to be tolerated. This variant has not been reported in the literature in individuals affected with ARHGEF10-related conditions. This variant is present in population databases (no rsID available, gnomAD 0.006%). This sequence change replaces histidine, which is basic and polar, with asparagine, which is neutral and polar, at codon 1117 of the ARHGEF10 protein (p.His1117Asn).

Mayo Clinic Laboratories, Mayo Clinic
Classification: Uncertain significance. Last evaluated: 2022-06-02. Review status: criteria provided, single submitter. Criteria: ACMG Guidelines, 2015. Collection method: clinical testing. Allele origin: germline. Observed: 1 variant allele.
Comment: BP7

NM_014629.4(ARHGEF10):c.3349C>A (p.His1117Asn)

Gene: ARHGEF10 (Rho guanine nucleotide exchange factor 10; plus strand). Cytogenetic location: 8p23.3.
Variant type: single nucleotide variant.
Coding change: c.3349C>A on transcript NM_014629.4 (MANE Select); coding-DNA position 3349, C replaced by A.
Protein change: p.His1117Asn; replaces histidine 1117 with asparagine.
Molecular consequence: missense variant.
Genome position (GRCh38, 1-based): chr8:1,945,607, C>A. VCF-style: chr8-1945607-C-A. GRCh37 (hg19) VCF-style: chr8-1893773-C-A.
Other names: p.His1117Asn; c.3235C>A, p.His1079Asn (NM_001308152.2); c.3349C>A, p.His1117Asn (NM_001308153.3); short protein forms H1117N, H1079N, H1141N.
Identifiers: ClinVar variation 1416056 (VCV001416056.8), dbSNP rs1006898043, ClinGen allele CA170594353.